The following is an entry in ClinVar:

NM_001355436.2(SPTB):c.4439_4445del (p.Lys1480fs)

Gene: SPTB (spectrin beta, erythrocytic; minus strand). Cytogenetic location: 14q23.3.
Variant type: Deletion.
Coding change: c.4439_4445del on transcript NM_001355436.2 (MANE Select); coding-DNA positions 4439 to 4445, 7 bases deleted (AGCTGCA; older notation c.4439_4445delAGCTGCA).
Protein change: p.Lys1480fs; shifts the reading frame from lysine 1480.
Molecular consequence: frameshift variant.
Genome position (GRCh38, 1-based): chr14:64,779,753-64,779,759, TGCAGCT deleted on the plus strand (AGCTGCA on the coding strand, the reverse complement: SPTB is on the minus strand); deleting any 7 consecutive bases within chr14:64,779,753-64,779,761 gives the same sequence; the c. name uses the placement nearest the transcript's 3' end. VCF-style (leftmost placement, unchanged base first): chr14-64779752-CTGCAGCT-C. GRCh37 (hg19) VCF-style: chr14-65246470-CTGCAGCT-C.
Other names: c.4439_4445del, p.Lys1480fs (NM_001024858.4, NM_001355437.2); short protein forms K1480fs.
Identifiers: ClinVar variation 2768440 (VCV002768440.3), dbSNP rs2503090474, ClinGen allele CA2697553950.
Genomic context (GRCh38, chr14:64,779,752, plus strand): 5'-TCAGGAGGTAGGGAGAAGCTGTGGCCCACGCACCGTCTCATCCTCTAAGTCCCGGCTGAT[CTGCAGCT>C]TGGCTCTGGATGATTCCAGCTGCTTCTTCCTCCTTCCTAGGGGTTCCAGGAGGTCCAGGA-3'

ClinVar aggregate classification (germline): Pathogenic (1 of 4 stars; one submission).

Submission:

Labcorp Genetics (formerly Invitae), Labcorp
Classification: Pathogenic. Last evaluated: 2023-10-14. Review status: criteria provided, single submitter. Criteria: Invitae Variant Classification Sherloc (09022015). Collection method: clinical testing. Allele origin: germline.
Comment: This sequence change creates a premature translational stop signal (p.Lys1480Argfs*6) in the SPTB gene. It is expected to result in an absent or disrupted protein product. Loss-of-function variants in SPTB are known to be pathogenic (PMID: 1391962, 1498324, 8844207, 26830532, 27292444). This variant is not present in population databases (gnomAD no frequency). This variant has not been reported in the literature in individuals affected with SPTB-related conditions. For these reasons, this variant has been classified as Pathogenic.

Literature cited by the submitters: PubMed 1391962; PubMed 1498324; PubMed 8844207; PubMed 26830532; PubMed 27292444.